The following is an entry in ClinVar:

ClinVar aggregate classification (germline): Uncertain significance. Review status: criteria provided, multiple submitters, no conflicts (2 of 4 stars). 2 submissions from 2 submitters: Uncertain significance (2). Last evaluated 2025-03-19.

Conditions:
Long QT syndrome 8. Identifiers: MedGen CN260585, MONDO:0032756, OMIM 618447.
Long QT syndrome (LQTS). Identifiers: MedGen C0023976, MeSH D008133, MONDO:0002442. Disease mechanism: loss of function. Inheritance: Various modes of inheritance.

Submissions (2):

Victorian Clinical Genetics Services, Murdoch Childrens Research Institute
Classification: Uncertain significance for Long QT syndrome 8. Last evaluated: 2025-03-19. Review status: criteria provided, single submitter. Criteria: ACMG Guidelines, 2015. Collection method: clinical testing. Allele origin: germline. Affected: yes.
Comment: This variant is classified as VUS-3B. Evidence in support of pathogenic classification: Variant is absent from gnomAD (v2, v3 and v4). Additional information: Variant is predicted to result in a missense amino acid change from glutamine to histidine; This variant is heterozygous; This gene is associated with autosomal dominant disease; Alternative amino acid change(s) at the same position are present in gnomAD (Highest allele count: v4: 3 heterozygote(s), 0 homozygote(s)); This variant has no previous evidence of pathogenicity; No published segregation evidence has been identified for this variant; No published functional evidence has been identified for this variant; Another missense variant comparable to the one identified in this case has inconclusive previous evidence for pathogenicity. The p.(Gln1637Arg) variant has been classified as a VUS by clinical laboratories in ClinVar; Variant is not located in an established domain, motif, hotspot or informative constraint region; Missense variant with inconclusive in silico prediction and uninformative conservation; Loss of function and gain of function are known mechanisms of disease in this gene. Loss-of-function variants are associated with neurodevelopmental disorder with hypotonia, language delay, and skeletal defects with or without seizures (MIM#620029) (PMID: 34163037). Gain-of-function missense variants result in loss of channel inactivation and increased current, and are associated with long QT syndrome 8 (MIM#618447) and Timothy syndrome (MIM#601005, PMID: 25260352). - Variants in this gene are known to have variable expressivity. Parents with the same variant as their affected child have been observed to have a less severe phenotype (PMID: 34163037).

Labcorp Genetics (formerly Invitae), Labcorp
Classification: Uncertain significance for Long QT syndrome. Last evaluated: 2022-12-24. Review status: criteria provided, single submitter. Criteria: Invitae Variant Classification Sherloc (09022015). Collection method: clinical testing. Allele origin: germline.
Comment: In summary, the available evidence is currently insufficient to determine the role of this variant in disease. Therefore, it has been classified as a Variant of Uncertain Significance. Advanced modeling of protein sequence and biophysical properties (such as structural, functional, and spatial information, amino acid conservation, physicochemical variation, residue mobility, and thermodynamic stability) has been performed at Invitae for this missense variant, however the output from this modeling did not meet the statistical confidence thresholds required to predict the impact of this variant on CACNA1C protein function. This variant has not been reported in the literature in individuals affected with CACNA1C-related conditions. This variant is not present in population databases (gnomAD no frequency). This sequence change replaces glutamine, which is neutral and polar, with histidine, which is basic and polar, at codon 1637 of the CACNA1C protein (p.Gln1637His).

Literature cited by the submitters: PubMed 25260352 (cited by Victorian Clinical Genetics Services, Murdoch Childrens Research Institute); PubMed 34163037 (cited by Victorian Clinical Genetics Services, Murdoch Childrens Research Institute).

NM_000719.7(CACNA1C):c.4911G>C (p.Gln1637His)

Genes: CACNA1C (calcium voltage-gated channel subunit alpha1 C; plus strand), CACNA1C-AS1 (CACNA1C antisense RNA 1; minus strand). Cytogenetic location: 12p13.33.
Variant type: single nucleotide variant.
Coding change: c.4911G>C on transcript NM_000719.7 (MANE Select); coding-DNA position 4911, G replaced by C.
Protein change: p.Gln1637His; replaces glutamine 1637 with histidine.
Molecular consequence: missense variant. On other transcripts: non-coding transcript variant (1).
Genome position (GRCh38, 1-based): chr12:2,677,176, G>C. VCF-style: chr12-2677176-G-C. GRCh37 (hg19) VCF-style: chr12-2786342-G-C.
Other names: c.5055G>C, p.Gln1685His (NM_001129827.2, NM_199460.4); c.5034G>C, p.Gln1678His (NM_001129829.2); c.4911G>C, p.Gln1637His (NM_001129830.3, NM_001129840.2, NM_001129841.2 and 4 more transcripts); c.4995G>C, p.Gln1665His (NM_001129831.2); c.4971G>C, p.Gln1657His (NM_001129832.2); c.4968G>C, p.Gln1656His (NM_001129833.2, NM_001129834.2, NM_001129835.2); c.4962G>C, p.Gln1654His (NM_001129836.2); c.4935G>C, p.Gln1645His (NM_001129837.2, NM_001129838.2); and 3 more; short protein forms Q1637H, Q1654H, Q1678H, Q1685H, Q1657H, Q1665H, Q1634H, Q1656H.
Identifiers: ClinVar variation 2823898 (VCV002823898.5), dbSNP rs2531959644, ClinGen allele CA383378075.